The following is an entry in ClinVar:

NM_020693.4(DSCAML1):c.-77G>A

Gene: DSCAML1 (DS cell adhesion molecule like 1; minus strand). Cytogenetic location: 11q23.3.
Variant type: single nucleotide variant.
Coding change: c.-77G>A on transcript NM_020693.4 (MANE Select); 77 bases upstream of the start codon, G replaced by A.
Molecular consequence: 5 prime UTR variant. On other transcripts: intron variant (1).
Genome position (GRCh38, 1-based): chr11:117,797,156, C>T on the plus strand (G>A on the coding strand, the complement: DSCAML1 is on the minus strand). VCF-style: chr11-117797156-C-T. GRCh37 (hg19) VCF-style: chr11-117667871-C-T.
Other names: c.-77G>A (NM_001367904.1); c.-362-16346G>A (NM_001367905.1).
Identifiers: ClinVar variation 1984227 (VCV001984227.4), dbSNP rs760789506, ClinGen allele CA6297701.

ClinVar aggregate classification (germline): Uncertain significance (1 of 4 stars; one submission).

Allele frequency attached by ClinVar (database versions not stated): gnomAD exomes 0.00001; TOPMed 0.00001; ExAC 0.00004.
gnomAD v4.1: 6 of 1,586,590 alleles (0.00038%); highest among the groups gnomAD compares: Admixed American, 0.011%; no homozygotes.

Submission:

Labcorp Genetics (formerly Invitae), Labcorp
Classification: Uncertain significance. Last evaluated: 2024-05-11. Review status: criteria provided, single submitter. Criteria: Invitae Variant Classification Sherloc (09022015). Collection method: clinical testing. Allele origin: germline.
Comment: This sequence change replaces arginine, which is basic and polar, with histidine, which is basic and polar, at codon 35 of the DSCAML1 protein (p.Arg35His). This variant is present in population databases (rs760789506, gnomAD 0.02%). This variant has not been reported in the literature in individuals affected with DSCAML1-related conditions. ClinVar contains an entry for this variant (Variation ID: 1984227). Experimental studies and prediction algorithms are not available or were not evaluated, and the functional significance of this variant is currently unknown. In summary, the available evidence is currently insufficient to determine the role of this variant in disease. Therefore, it has been classified as a Variant of Uncertain Significance.